The following is an entry in ClinVar:

NM_001018115.3(FANCD2):c.3221C>A (p.Ala1074Asp)

Genes: FANCD2 (FA complementation group D2; plus strand), FANCD2OS (FANCD2 opposite strand; minus strand). Cytogenetic location: 3p25.3.
Variant type: single nucleotide variant.
Coding change: c.3221C>A on transcript NM_001018115.3 (MANE Select); coding-DNA position 3221, C replaced by A.
Protein change: p.Ala1074Asp; replaces alanine 1074 with aspartic acid.
Molecular consequence: missense variant. On other transcripts: 3 prime UTR variant (1).
Genome position (GRCh38, 1-based): chr3:10,081,461, C>A. VCF-style: chr3-10081461-C-A. GRCh37 (hg19) VCF-style: chr3-10123145-C-A.
Other names: c.3221C>A, p.Ala1074Asp (NM_001319984.2, NM_001374254.1, NM_033084.6); c.3110C>A, p.Ala1037Asp (NM_001374253.1); c.*114G>T (NM_173472.2); short protein forms A1037D, A1074D.
Identifiers: ClinVar variation 1337967 (VCV001337967.8), dbSNP rs772237103, ClinGen allele CA2250302.

ClinVar aggregate classification (germline): Uncertain significance. Review status: criteria provided, multiple submitters, no conflicts (2 of 4 stars). 3 submissions from 3 submitters: Uncertain significance (3). Last evaluated 2024-03-01.

Conditions:
Fanconi anemia (FA). Also called: Fanconi's anemia. Identifiers: Orphanet 84, MedGen C0015625, MeSH D005199, MONDO:0019391.

Allele frequency attached by ClinVar (database versions not stated): gnomAD exomes 0.00003 and 0.00006; ExAC 0.00001; gnomAD 0.00001; TOPMed 0.00003.

Submissions (3):

Labcorp Genetics (formerly Invitae), Labcorp
Classification: Uncertain significance for Fanconi anemia. Last evaluated: 2024-03-01. Review status: criteria provided, single submitter. Criteria: Invitae Variant Classification Sherloc (09022015). Collection method: clinical testing. Allele origin: germline.
Comment: This sequence change replaces alanine, which is neutral and non-polar, with aspartic acid, which is acidic and polar, at codon 1074 of the FANCD2 protein (p.Ala1074Asp). This variant is present in population databases (rs772237103, gnomAD 0.007%). This variant has not been reported in the literature in individuals affected with FANCD2-related conditions. ClinVar contains an entry for this variant (Variation ID: 1337967). Advanced modeling of protein sequence and biophysical properties (such as structural, functional, and spatial information, amino acid conservation, physicochemical variation, residue mobility, and thermodynamic stability) performed at Invitae indicates that this missense variant is not expected to disrupt FANCD2 protein function with a negative predictive value of 80%. In summary, the available evidence is currently insufficient to determine the role of this variant in disease. Therefore, it has been classified as a Variant of Uncertain Significance.

Blueprint Genetics
Classification: Uncertain significance. Last evaluated: 2022-03-29. Review status: criteria provided, single submitter. Criteria: ACMG Guidelines, 2015. Collection method: clinical testing. Allele origin: germline.

Genetic Services Laboratory, University of Chicago
Classification: Uncertain significance. Last evaluated: 2021-06-14. Review status: criteria provided, single submitter. Criteria: ACMG Guidelines, 2015. Collection method: clinical testing. Allele origin: germline. Affected: no.
Comment: DNA sequence analysis of the FANCD2 gene demonstrated a sequence change, c.3221C>A, in exon 32 that results in an amino acid change, p.Ala1074Asp. This sequence change has been described in gnomAD with a frequency of 0.0070% in the Non-Finnish European sub-population (dbSNP rs772237103). The p.Ala1074Asp change affects a moderately conserved amino acid residue located in a domain of the FANCD2 protein that is not known to be functional. In-silico pathogenicity prediction tools (SIFT, PolyPhen2, Align GVGD, REVEL) provide contradictory results for the p.Ala1074Asp substitution. This sequence change does not appear to have been previously described in patients with FANCD2-related disorders. Due to the lack of sufficient evidences, the clinical significance of the p.Ala1074Asp change remains unknown at this time.